The following is an entry in ClinVar:

NM_004606.5(TAF1):c.1270C>T (p.His424Tyr)

Gene: TAF1 (TATA-box binding protein associated factor 1; plus strand). Cytogenetic location: Xq13.1.
Variant type: single nucleotide variant.
Coding change: c.1270C>T on transcript NM_004606.5 (MANE Select); coding-DNA position 1270, C replaced by T.
Protein change: p.His424Tyr; replaces histidine 424 with tyrosine.
Molecular consequence: missense variant. On other transcripts: non-coding transcript variant (9).
Genome position (GRCh38, 1-based): chrX:71,378,941, C>T. VCF-style: chrX-71378941-C-T. GRCh37 (hg19) VCF-style: chrX-70598791-C-T.
Other names: c.1270C>T, p.His424Tyr (NM_001286074.2); c.1207C>T, p.His403Tyr (NM_138923.4); c.1330C>T (NM_004606.3); short protein forms H424Y, H403Y.
Identifiers: ClinVar variation 2843157 (VCV002843157.4), dbSNP rs768972939, ClinGen allele CA331008418.

ClinVar aggregate classification (germline): Uncertain significance. Review status: criteria provided, multiple submitters, no conflicts (2 of 4 stars). 2 submissions from 2 submitters: Uncertain significance (2). Last evaluated 2024-10-08.

Conditions:
Inborn genetic diseases. Identifiers: MedGen C0950123, MeSH D030342.

Allele frequency attached by ClinVar (database versions not stated): gnomAD 0.00003; gnomAD exomes 0.00004; TOPMed 0.00008.
gnomAD v4.1: 41 of 1,208,299 alleles (0.0034%); highest among the groups gnomAD compares: African/African-American, 0.0053%; no homozygotes.

Submissions (2):

Labcorp Genetics (formerly Invitae), Labcorp
Classification: Uncertain significance. Last evaluated: 2024-10-08. Review status: criteria provided, single submitter. Criteria: Invitae Variant Classification Sherloc (09022015). Collection method: clinical testing. Allele origin: germline.
Comment: This sequence change replaces histidine, which is basic and polar, with tyrosine, which is neutral and polar, at codon 444 of the TAF1 protein (p.His444Tyr). This variant is not present in population databases (gnomAD no frequency). This variant has not been reported in the literature in individuals affected with TAF1-related conditions. Invitae Evidence Modeling of protein sequence and biophysical properties (such as structural, functional, and spatial information, amino acid conservation, physicochemical variation, residue mobility, and thermodynamic stability) indicates that this missense variant is not expected to disrupt TAF1 protein function with a negative predictive value of 80%. In summary, the available evidence is currently insufficient to determine the role of this variant in disease. Therefore, it has been classified as a Variant of Uncertain Significance.

Ambry Genetics
Classification: Uncertain significance for Inborn genetic diseases. Last evaluated: 2023-12-13. Review status: criteria provided, single submitter. Criteria: Ambry Variant Classification Scheme 2023. Collection method: clinical testing. Allele origin: germline.